The following is an entry in ClinVar:

ClinVar aggregate classification (germline): Likely benign (1 of 4 stars; one submission).

Conditions:
SLC12A2-related disorder. Also called: SLC12A2-related disorders; SLC12A2-related condition.

Submission:

PreventionGenetics, part of Exact Sciences
Classification: Likely benign for SLC12A2-related condition. Last evaluated: 2025-12-18. Review status: criteria provided, single submitter. Criteria: ACMG Guidelines, 2015. Collection method: clinical testing. Allele origin: germline.
Comment: This variant is classified as likely benign based on ACMG/AMP sequence variant interpretation guidelines (Richards et al. 2015 PMID: 25741868, with internal and published modifications).

NM_001046.3(SLC12A2):c.2930-8_2930-7del

Gene: SLC12A2 (solute carrier family 12 member 2; plus strand). Cytogenetic location: 5q23.3.
Variant type: Deletion.
Coding change: c.2930-8_2930-7del on transcript NM_001046.3 (MANE Select); 8 bases into the intron before coding-DNA position 2930 through 7 bases into the intron before coding-DNA position 2930, 2 bases deleted (TA; older notation c.2930-8_2930-7delTA).
Molecular consequence: intron variant.
Genome position (GRCh38, 1-based): chr5:128,177,097-128,177,098, TA deleted; deleting any 2 consecutive bases within chr5:128,177,096-128,177,098 gives the same sequence; the c. name uses the placement nearest the transcript's 3' end. VCF-style (leftmost placement, unchanged base first): chr5-128177095-CAT-C. GRCh37 (hg19) VCF-style: chr5-127512787-CAT-C.
Other names: c.2930-1470_2930-1469del (NM_001256461.2).
Identifiers: ClinVar variation 4983056 (VCV004983056.1).